The following is an entry in ClinVar:

NM_012210.4(TRIM32):c.1303G>A (p.Ala435Thr)

Genes: ASTN2 (astrotactin 2; minus strand), TRIM32 (tripartite motif containing 32; plus strand). Cytogenetic location: 9q33.1.
Variant type: single nucleotide variant.
Coding change: c.1303G>A on transcript NM_012210.4 (MANE Select); coding-DNA position 1303, G replaced by A.
Protein change: p.Ala435Thr; replaces alanine 435 with threonine.
Molecular consequence: missense variant. On other transcripts: intron variant (3).
Genome position (GRCh38, 1-based): chr9:116,699,045, G>A. VCF-style: chr9-116699045-G-A. GRCh37 (hg19) VCF-style: chr9-119461324-G-A.
Other names: c.1303G>A, p.Ala435Thr (NM_001379049.1, NM_001379050.1, NM_001099679.2 and 1 more transcripts); c.2653+26726C>T (NM_014010.5); c.2794+26726C>T (NM_001365069.1); c.2806+26726C>T (NM_001365068.1); short protein forms A435T.
Identifiers: ClinVar variation 1501514 (VCV001501514.7), dbSNP rs1861037722, ClinGen allele CA374651385.

ClinVar aggregate classification (germline): Uncertain significance. Review status: criteria provided, multiple submitters, no conflicts (2 of 4 stars). 3 submissions from 3 submitters: Uncertain significance (3). Last evaluated 2026-09-24.

Conditions:
TRIM32-related disorder. Also called: TRIM32-related condition.
Bardet-Biedl syndrome (BBS). Identifiers: Orphanet 110, MedGen C0752166, MONDO:0015229.

Allele frequency attached by ClinVar (database versions not stated): gnomAD exomes 0.00001.
gnomAD v4.1: 11 of 1,614,160 alleles (0.00068%); highest among the groups gnomAD compares: Non-Finnish European, 0.00068%; no homozygotes.

Submissions (3):

PreventionGenetics, part of Exact Sciences
Classification: Uncertain significance for TRIM32-related condition. Last evaluated: 2026-09-24. Review status: criteria provided, single submitter. Criteria: ACMG Guidelines, 2015. Collection method: clinical testing. Allele origin: germline.
Comment: The TRIM32 c.1303G>A variant is predicted to result in the amino acid substitution p.Ala435Thr. To our knowledge, this variant has not been reported in the literature or in a large population database (gnomAD), indicating this variant is rare. At this time, the clinical significance of this variant is uncertain due to the absence of conclusive functional and genetic evidence.

Labcorp Genetics (formerly Invitae), Labcorp
Classification: Uncertain significance for Bardet-Biedl syndrome. Last evaluated: 2022-06-20. Review status: criteria provided, single submitter. Criteria: Invitae Variant Classification Sherloc (09022015). Collection method: clinical testing. Allele origin: germline.
Comment: This sequence change replaces alanine, which is neutral and non-polar, with threonine, which is neutral and polar, at codon 435 of the TRIM32 protein (p.Ala435Thr). This variant is not present in population databases (gnomAD no frequency). This variant has not been reported in the literature in individuals affected with TRIM32-related conditions. Algorithms developed to predict the effect of missense changes on protein structure and function (SIFT, PolyPhen-2, Align-GVGD) all suggest that this variant is likely to be tolerated. In summary, the available evidence is currently insufficient to determine the role of this variant in disease. Therefore, it has been classified as a Variant of Uncertain Significance.

Blueprint Genetics
Classification: Uncertain significance. Last evaluated: 2021-02-22. Review status: criteria provided, single submitter. Criteria: ACMG Guidelines, 2015. Collection method: clinical testing. Allele origin: germline.